The following is an entry in ClinVar:

NM_000218.3(KCNQ1):c.569G>A (p.Arg190Gln)

Gene: KCNQ1 (potassium voltage-gated channel subfamily Q member 1; plus strand). Cytogenetic location: 11p15.5.
Variant type: single nucleotide variant.
Coding change: c.569G>A on transcript NM_000218.3 (MANE Select); coding-DNA position 569, G replaced by A.
Protein change: p.Arg190Gln; replaces arginine 190 with glutamine.
Molecular consequence: missense variant.
Genome position (GRCh38, 1-based): chr11:2,570,719, G>A. VCF-style: chr11-2570719-G-A. GRCh37 (hg19) VCF-style: chr11-2591949-G-A.
Other names: p.R190Q:CGG>CAG; c.569G>A (LRG_287t1); c.569G>A, p.Arg190Gln (NM_001406836.1); c.299G>A, p.Arg100Gln (NM_001406837.1); c.188G>A, p.Arg63Gln (NM_181798.2); short protein forms R190Q, R63Q, R100Q.
Identifiers: ClinVar variation 3117 (VCV000003117.41), dbSNP rs120074178, ClinGen allele CA007542.

ClinVar aggregate classification (germline): Pathogenic/Likely pathogenic. Review status: criteria provided, multiple submitters, no conflicts (2 of 4 stars). 18 submissions from 18 submitters: Pathogenic (15); Likely pathogenic (1). 2 of the submissions do not count toward it. Last evaluated 2025-12-31.

Conditions:
KCNQ1-related disorder. Also called: KCNQ1-related disorders; KCNQ1-related condition. Identifiers: MedGen CN239322.
Cardiovascular phenotype. Identifiers: MedGen CN230736.
Familial long QT syndrome (RWS). Also called: Romano-Ward syndrome; VENTRICULAR FIBRILLATION WITH PROLONGED QT INTERVAL; Congenital long QT syndrome. Identifiers: Orphanet 768, MedGen C1141890, MONDO:0019171.
Cardiac arrhythmia. Also called: Cardiac rhythm disease; Arrhythmia. Identifiers: MedGen C0003811, MONDO:0007263, HP:0011675.
Long QT syndrome (LQTS). Identifiers: MedGen C0023976, MeSH D008133, MONDO:0002442. Disease mechanism: loss of function. Inheritance: Various modes of inheritance.
Long QT syndrome 1 (LQT1). Identifiers: Orphanet 101016, Orphanet 768, MedGen C4551647, MONDO:0100316, OMIM 192500, MONDO:0008646.

Allele frequency attached by ClinVar (database versions not stated): TOPMed 0.00001; gnomAD 0.00002; gnomAD exomes 0.00001.
gnomAD v4.1: 19 of 1,612,150 alleles (0.0012%); highest among the groups gnomAD compares: African/African-American, 0.0027%; no homozygotes.

Submissions 1 to 6 of 18:

Labcorp Genetics (formerly Invitae), Labcorp
Classification: Pathogenic for Long QT syndrome. Last evaluated: 2025-12-31. Review status: criteria provided, single submitter. Criteria: Invitae Variant Classification Sherloc (09022015). Collection method: clinical testing. Allele origin: germline.
Comment: This sequence change replaces arginine, which is basic and polar, with glutamine, which is neutral and polar, at codon 190 of the KCNQ1 protein (p.Arg190Gln). The frequency data for this variant in the population databases is considered unreliable, as metrics indicate poor data quality at this position in the gnomAD database. This missense change has been observed in individual(s) with Jervell and Lange-Nielsen syndrome and/or long QT syndrome (PMID: 8528244, 10728423, 17470695, 20660394, 22629021). In at least one individual the data is consistent with being in trans (on the opposite chromosome) from a pathogenic variant. It has also been observed to segregate with disease in related individuals. This variant is also known as p.Arg61Gln. ClinVar contains an entry for this variant (Variation ID: 3117). Invitae Evidence Modeling of protein sequence and biophysical properties (such as structural, functional, and spatial information, amino acid conservation, physicochemical variation, residue mobility, and thermodynamic stability) indicates that this missense variant is expected to disrupt KCNQ1 protein function with a positive predictive value of 95%. Experimental studies have shown that this missense change affects KCNQ1 function (PMID: 10376919, 10728423). For these reasons, this variant has been classified as Pathogenic.

North West Genomic Laboratory Hub, Manchester University NHS Foundation Trust
Classification: Pathogenic for Long QT syndrome. Last evaluated: 2025-08-11. Review status: criteria provided, single submitter. Criteria: ACGS Best Practice Guidelines for Variant Classification in Rare Disease 2024. Collection method: clinical testing. Allele origin: germline. Affected: yes.
Comment: PP3_Supp PP1_Str PM1_Mod PM3_Mod PS4_Str

Ambry Genetics
Classification: Pathogenic for Cardiovascular phenotype. Last evaluated: 2024-12-13. Review status: criteria provided, single submitter. Criteria: Ambry Variant Classification Scheme 2023. Collection method: clinical testing. Allele origin: germline.
Comment: The p.R190Q pathogenic mutation (also known as c.569G>A), located in coding exon 3 of the KCNQ1 gene, results from a G to A substitution at nucleotide position 569. The arginine at codon 190 is replaced by glutamine, an amino acid with highly similar properties. This variant was reported in individual(s) with features consistent with long QT syndrome (LQTS) and segregated with disease in at least one family (Wang Q et al. Nat. Genet. 1996;12:17-23; Chouabe C et al. Cardiovasc. Res. 2000;45:971-80; Moss AJ et al. Circulation. 2007;115:2481-9; Kapplinger JD et al. Heart Rhythm. 2009;6:1297-303; Moretti A et al. N. Engl. J. Med. 2010;363:1397-409). This variant has been identified in the homozygous state and/or in conjunction with other KCNQ1 variant(s) in individual(s) with features consistent with Jervell and Lange-Nielsen syndrome (JLNS) (Gao Y et al. J Cardiovasc Dis Res. 2012;3:67-75; Vyas B et al. Am. J. Med. Genet. A. 2016;170:1510-9). In multiple assays testing KCNQ1 function, this variant showed a functionally abnormal result (Chouabe C et al. Cardiovasc. Res. 2000;45:971-80; Moretti A et al. N. Engl. J. Med. 2010;363:1397-409; Barsheshet A et al. Circulation. 2012;125:1988-96; Chen Z et al. Eur. Heart J. 2016;epub:ehw189). This amino acid position is highly conserved in available vertebrate species. In addition, this alteration is predicted to be deleterious by in silico analysis. Based on the supporting evidence, this alteration is interpreted as a disease-causing mutation.

Mayo Clinic Laboratories, Mayo Clinic
Classification: Pathogenic. Last evaluated: 2024-11-12. Review status: criteria provided, single submitter. Criteria: ACMG Guidelines, 2015. Collection method: clinical testing. Allele origin: germline. Observed: 1 variant allele.
Comment: PP1_strong, PP3, PM2_supporting, PM3, PM5, PS3_moderate, PS4_moderate

Victorian Clinical Genetics Services, Murdoch Childrens Research Institute
Classification: Pathogenic for Long QT syndrome 1. Last evaluated: 2024-10-10. Review status: criteria provided, single submitter. Criteria: ACMG Guidelines, 2015. Collection method: clinical testing. Allele origin: germline. Inheritance: Autosomal dominant inheritance. Affected: yes.
Comment: Based on the classification scheme VCGS_Germline_v1.3.4, this variant is classified as Pathogenic. Following criteria are met: 0103 - Dominant negative, loss of function and gain of function are known mechanisms of disease in this gene. Gain of function variants result exclusively in Short QT syndrome (MIM#609621), while dominant negative and loss of function variants can cause LQTS (MIM#192500), atrial fibrillation (MIM#607554) and JLNS (MIM#220400) (OMIM, PMID: 19632626, PMID: 28438721). (I) 0108 - This gene is associated with both recessive and dominant disease. JLNS is a more severe form of LQTS, and is the only condition caused by biallelic mutations (PMID: 28438721). (I) 0112 - The condition associated with this gene has incomplete penetrance, and has been reported for variants causing LQTS or atrial fibrillation (GeneReviews, OMIM). (I) 0200 - Variant is predicted to result in a missense amino acid change from arginine to glutamine. (I) 0251 - This variant is heterozygous. (I) 0302 - Variant is present in gnomAD (v4) <0.001 for a dominant condition (19 heterozygotes, 0 homozygotes). (SP) 0309 - Two alternative amino acid changes at the same position has been observed in gnomAD (v2, v3) (1 heterozygote, 0 homozygotes). (I) 0501 - Missense variant consistently predicted to be damaging by multiple in silico tools or highly conserved with a major amino acid change. (SP) 0600 - Variant is located in the annotated ion transporter domain (PDB, NCBI). (I) 0703 - Other missense variants comparable to the one identified in this case have moderate previous evidence for pathogenicity. These alternative changes (p.Arg190Trp, p.Arg190Leu) have been reported as pathogenic in heterozygous individuals with Long QT syndrome (LQTS), or homozygous individuals with Jervell and Lange-Nielsen syndrome (JLNS) (ClinVar, LOVD). (SP) 0801 - This variant has strong previous evidence of pathogenicity in unrelated individuals. This variant has been reported in many heterozygous individuals with LQTS, or homozygous individuals with JLNS (ClinVar, PMID: 32011662). (SP) 1208 - Inheritance information for this variant is not currently available in this individual. (I) Legend: (SP) - Supporting pathogenic, (I) - Information, (SB) - Supporting benign

All of Us Research Program, National Institutes of Health
Classification: Pathogenic for Long QT syndrome. Last evaluated: 2024-08-07. Review status: criteria provided, single submitter. Criteria: ACMG Guidelines, 2015. Collection method: clinical testing. Allele origin: germline. Inheritance: Autosomal dominant inheritance. Observed: 2 variant alleles, 2 heterozygotes.
Comment: This missense variant replaces arginine with glutamine at codon 190 of the KCNQ1 protein. This variant is found within the highly conserved cytoplasmic linker region (a.a. 169-196). Rare non-truncating variants in this region have been shown to be significantly overrepresented in individuals with long QT syndrome (PMID: 32893267). Functional studies have shown that this variant causes a loss of KCNQ1 channel activity (PMID: 10376919, 10728423, 20660394). This variant has been reported in individuals affected with long QT syndrome (PMID: 17470695, 19841300, 21350584, 22949429, 23075154, 8528244, 10728423, 20660394, 32893267) and in individuals affected with Jervell and Lange-Nielsen syndrome (PMID: 22629021, 27485560). This variant has been shown to segregate with disease in multiple families affected with long QT syndrome (PMID: 8528244, 10728423, 20660394). This variant has been identified in 1/249462 chromosomes in the general population by the Genome Aggregation Database (gnomAD). Based on the available evidence, this variant is classified as Pathogenic.

This study involves interpretation of variants in research participants for the purpose of population health screening. Participant phenotype was not available at the time of variant classification. Additional details can be found in publication PMID: 35346344, PMCID: PMC8962531